The following is an entry in ClinVar:

ClinVar aggregate classification (germline): Uncertain significance. Review status: criteria provided, multiple submitters, no conflicts (2 of 4 stars). 2 submissions from 2 submitters: Uncertain significance (2). Last evaluated 2025-05-06.

Allele frequency attached by ClinVar (database versions not stated): gnomAD 0.00001; gnomAD exomes 0.00001; TOPMed 0.00001.
gnomAD v4.1: 10 of 1,613,860 alleles (0.00062%); highest among the groups gnomAD compares: Admixed American, 0.0017%; no homozygotes.

Submissions (2):

GeneDx
Classification: Uncertain significance. Last evaluated: 2025-05-06. Review status: criteria provided, single submitter. Criteria: GeneDx Variant Classification Process June 2021. Collection method: clinical testing. Allele origin: germline. Affected: yes.
Comment: In silico analysis supports that this missense variant has a deleterious effect on protein structure/function; Has not been previously published as pathogenic or benign to our knowledge

Labcorp Genetics (formerly Invitae), Labcorp
Classification: Uncertain significance. Last evaluated: 2023-05-22. Review status: criteria provided, single submitter. Criteria: Invitae Variant Classification Sherloc (09022015). Collection method: clinical testing. Allele origin: germline.
Comment: In summary, the available evidence is currently insufficient to determine the role of this variant in disease. Therefore, it has been classified as a Variant of Uncertain Significance. Advanced modeling of protein sequence and biophysical properties (such as structural, functional, and spatial information, amino acid conservation, physicochemical variation, residue mobility, and thermodynamic stability) performed at Invitae indicates that this missense variant is not expected to disrupt HK1 protein function. This variant has not been reported in the literature in individuals affected with HK1-related conditions. This variant is present in population databases (no rsID available, gnomAD 0.003%). This sequence change replaces arginine, which is basic and polar, with tryptophan, which is neutral and slightly polar, at codon 779 of the HK1 protein (p.Arg779Trp).

NM_000188.3(HK1):c.2335C>T (p.Arg779Trp)

Gene: HK1 (hexokinase 1; plus strand). Cytogenetic location: 10q22.1.
Variant type: single nucleotide variant.
Coding change: c.2335C>T on transcript NM_000188.3 (MANE Select); coding-DNA position 2335, C replaced by T.
Protein change: p.Arg779Trp; replaces arginine 779 with tryptophan.
Molecular consequence: missense variant.
Genome position (GRCh38, 1-based): chr10:69,395,065, C>T. VCF-style: chr10-69395065-C-T. GRCh37 (hg19) VCF-style: chr10-71154821-C-T.
Other names: c.2347C>T, p.Arg783Trp (NM_001358263.1, NM_033497.3, NM_033498.3 and 1 more transcripts); c.2332C>T, p.Arg778Trp (NM_033496.3); c.2299C>T, p.Arg767Trp (NM_033500.2); c.2440C>T, p.Arg814Trp (NM_001322365.2); c.2251C>T, p.Arg751Trp (NM_001322366.1); c.2239C>T, p.Arg747Trp (NM_001322367.1); c.2335C>T (NM_000188.2); short protein forms R783W, R767W, R779W, R814W, R747W, R751W, R778W.
Identifiers: ClinVar variation 2962371 (VCV002962371.4), dbSNP rs1376263829, ClinGen allele CA376916088.
Genomic context (GRCh38, chr10:69,395,065, plus strand): 5'-ATCGACTTCACCAAGAAGGGATTCCTCTTCCGAGGGCAGATCTCTGAGACGCTGAAGACC[C>T]GGGGCATCTTTGAGACCAAGTTTCTCTCTCAGATCGAGAGGTGAGTGGGCAGTGTCTTCC-3'
Protein context (NP_000179.2, residues 769-789): RGQISETLKT[Arg779Trp]GIFETKFLSQ